The following is an entry in ClinVar:

NM_007294.4(BRCA1):c.3831_3832insT (p.Lys1278Ter)

Genes: BRCA1 (BRCA1 DNA repair associated; minus strand), LOC126862571 (BRD4-independent group 4 enhancer GRCh37_chr17:41243136-41244335; plus strand). Cytogenetic location: 17q21.31.
Variant type: Insertion.
Coding change: c.3831_3832insT on transcript NM_007294.4 (MANE Select); coding-DNA positions 3831 to 3832, T inserted.
Protein change: p.Lys1278Ter; replaces lysine 1278 with a stop codon.
Molecular consequence: nonsense. On other transcripts: intron variant (135).
Genome position: GRCh38 VCF-style: chr17-43091699-T-TA. GRCh37 (hg19) VCF-style: chr17-41243716-T-TA.
Other names: c.578-668_578-667insT (NM_001408484.1, NM_001408478.1, NM_001408482.1 and 9 more transcripts); c.662-668_662-667insT (NM_001408450.1, NM_001408434.1, NM_001408446.1 and 6 more transcripts); c.785-668_785-667insT (NM_001408398.1, NM_001407992.1, NM_001408401.1 and 13 more transcripts); c.665-668_665-667insT (NM_001408440.1, NM_001408428.1, NM_001408444.1 and 12 more transcripts); c.671-668_671-667insT (NM_001408418.1, NM_001408422.1, NM_001408423.1 and 2 more transcripts); c.788-668_788-667insT (NM_001407981.1, NM_007298.4, NM_001407978.1 and 17 more transcripts); c.644-668_644-667insT (NM_001408462.1, NM_001408465.1, NM_001408463.1 and 3 more transcripts); c.710-668_710-667insT (NM_001408414.1, NM_001408411.1, NM_001408409.1 and 2 more transcripts); and 41 more; short protein forms K1110*, K1150*, K1166*, K1208*, K1230*, K1251*, K1252*, K410*.
Identifiers: ClinVar variation 3992625 (VCV003992625.1).
Genomic context (GRCh38, chr17:43,091,699, plus strand): 5'-AAGAAAACAAGCTAGCAGAACATTTTGTTTCCTCACTAAGGTGATGTTCCTGAGATGCCT[T>TA]TGCCAATATTACCTGGTTACTGCAGTCATTTAAGCTATTCTTCAATGATAATAAATTCTC-3'

ClinVar aggregate classification (germline): Pathogenic (1 of 4 stars; one submission).

Conditions:
Hereditary cancer-predisposing syndrome. Also called: Tumor predisposition; Hereditary neoplastic syndrome; Neoplastic Syndromes, Hereditary; Hereditary Cancer Syndrome. Identifiers: Orphanet 140162, MedGen C0027672, MeSH D009386, MONDO:0015356.

Submission:

Ambry Genetics
Classification: Pathogenic for Hereditary cancer-predisposing syndrome. Last evaluated: 2025-05-25. Review status: criteria provided, single submitter. Criteria: Ambry Variant Classification Scheme 2023. Collection method: clinical testing. Allele origin: germline.
Comment: The c.3831_3832insT pathogenic mutation, located in coding exon 9 of the BRCA1 gene, results from an insertion of one nucleotide at position 3831, causing a translational frameshift with a predicted alternate stop codon (p.K1278*). This variant is considered to be rare based on population cohorts in the Genome Aggregation Database (gnomAD). This alteration is expected to result in loss of function by premature protein truncation or nonsense-mediated mRNA decay. As such, this alteration is interpreted as a disease-causing mutation.